The following is an entry in ClinVar:

NM_005732.4(RAD50):c.2970C>T (p.Cys990=)

Gene: RAD50 (RAD50 double strand break repair protein; plus strand). Cytogenetic location: 5q31.1.
Variant type: single nucleotide variant.
Coding change: c.2970C>T on transcript NM_005732.4 (MANE Select); coding-DNA position 2970, C replaced by T.
Protein change: p.Cys990=; no amino-acid change (cysteine 990 retained).
Molecular consequence: synonymous variant.
Genome position (GRCh38, 1-based): chr5:132,609,330, C>T. VCF-style: chr5-132609330-C-T. GRCh37 (hg19) VCF-style: chr5-131945022-C-T.
Identifiers: ClinVar variation 486233 (VCV000486233.30), dbSNP rs375264148, ClinGen allele CA3405494.

ClinVar aggregate classification (germline): Likely benign. Review status: criteria provided, multiple submitters, no conflicts (2 of 4 stars). 3 submissions from 3 submitters: Likely benign (3). Last evaluated 2024-06-01.

Conditions:
Hereditary cancer-predisposing syndrome. Also called: Hereditary neoplastic syndrome; Neoplastic Syndromes, Hereditary; Hereditary Cancer Syndrome; Tumor predisposition. Identifiers: Orphanet 140162, MedGen C0027672, MeSH D009386, MONDO:0015356.

Allele frequency attached by ClinVar (database versions not stated): gnomAD exomes below 0.00001; ExAC 0.00001; TOPMed 0.00001; ESP Exome Variant Server 0.00008.

Submissions (3):

CeGaT Center for Human Genetics Tuebingen
Classification: Likely benign. Last evaluated: 2024-06-01. Review status: criteria provided, single submitter. Criteria: CeGaT Center For Human Genetics Tuebingen Variant Classification Criteria Version 2. Collection method: clinical testing. Allele origin: germline. Affected: yes. Observed: 1 variant allele.
Comment: RAD50: BP4, BP7

Labcorp Genetics (formerly Invitae), Labcorp
Classification: Likely benign for Hereditary cancer-predisposing syndrome. Last evaluated: 2023-12-18. Review status: criteria provided, single submitter. Criteria: Invitae Variant Classification Sherloc (09022015). Collection method: clinical testing. Allele origin: germline.

Ambry Genetics
Classification: Likely benign for Hereditary cancer-predisposing syndrome. Last evaluated: 2017-09-08. Review status: criteria provided, single submitter. Criteria: Ambry Variant Classification Scheme 2023. Collection method: clinical testing. Allele origin: germline.